The following is an entry in ClinVar:

ClinVar aggregate classification (germline): Likely pathogenic (1 of 4 stars; one submission).

Conditions:
Hearing loss, autosomal recessive 109. Also called: DEAFNESS, AUTOSOMAL RECESSIVE 109. Identifiers: MedGen C4693935, MONDO:0033202, OMIM 618013.

gnomAD v4.1: 2 of 1,613,392 alleles (0.00012%); highest among the groups gnomAD compares: South Asian, 0.0022%; no homozygotes.

Submission:

Human Molecular Genetics Lab, University of Swat
Classification: Likely pathogenic for Hearing loss, autosomal recessive 109. Last evaluated: 2026-01-31. Review status: criteria provided, single submitter. Criteria: ACMG Guidelines, 2015. Collection method: research. Allele origin: germline, unknown. Inheritance: Autosomal recessive inheritance. Affected: yes and no. Observed: 4 variant alleles, 2 heterozygotes, 2 homozygotes.
Comment: This variant has been identified in a consanguineous Pakistani family consisting of three affected individuals along with their parents and normal siblings and is absent in data bases consist of genomic data from normal individuals. The variant perfectly segregates with the disease phenotype within the family, where all the affected individuals were homozygous for the variant while their parents and normal sibling were heterozygous carrier for the variant.

Literature cited by the submitters: PMC PMC6709533.

NM_017697.4(ESRP1):c.353T>C (p.Leu118Pro)

Gene: ESRP1 (epithelial splicing regulatory protein 1; plus strand). Cytogenetic location: 8q22.1.
Variant type: single nucleotide variant.
Coding change: c.353T>C on transcript NM_017697.4 (MANE Select); coding-DNA position 353, T replaced by C.
Protein change: p.Leu118Pro; replaces leucine 118 with proline.
Molecular consequence: missense variant.
Genome position (GRCh38, 1-based): chr8:94,643,394, T>C. VCF-style: chr8-94643394-T-C. GRCh37 (hg19) VCF-style: chr8-95655622-T-C.
Other names: c.353T>C, p.Leu118Pro (NM_001034915.3, NM_001122825.2, NM_001122826.2 and 1 more transcripts); short protein forms L118P.
Identifiers: ClinVar variation 4759357 (VCV004759357.1).